The following is an entry in ClinVar:

ClinVar aggregate classification (germline): Conflicting classifications of pathogenicity. Review status: criteria provided, conflicting classifications (1 of 4 stars). 4 submissions from 4 submitters: Uncertain significance (3); Likely benign (1). Last evaluated 2025-10-28.

Conditions:
Inborn genetic diseases. Identifiers: MedGen C0950123, MeSH D030342.
Miller syndrome (POADS). Also called: Genee-Wiedemann acrofacial dysostosis; GENEE-WIEDEMANN SYNDROME. Identifiers: Orphanet 246, MedGen C0265257, MONDO:0009903, OMIM 263750.

Allele frequency attached by ClinVar (database versions not stated): TOPMed 0.00007; ESP Exome Variant Server 0.00008; 1000 Genomes Project 30x 0.00016; 1000 Genomes Project 0.00020.
gnomAD v4.1: 92 of 1,614,112 alleles (0.0057%); highest among the groups gnomAD compares: Middle Eastern, 0.016%; 1 homozygote.

Submissions (4):

Labcorp Genetics (formerly Invitae), Labcorp
Classification: Uncertain significance. Last evaluated: 2025-10-28. Review status: criteria provided, single submitter. Criteria: Invitae Variant Classification Sherloc (09022015). Collection method: clinical testing. Allele origin: germline.
Comment: This sequence change replaces alanine, which is neutral and non-polar, with threonine, which is neutral and polar, at codon 25 of the DHODH protein (p.Ala25Thr). This variant is present in population databases (rs200549060, gnomAD 0.01%). This variant has not been reported in the literature in individuals affected with DHODH-related conditions. ClinVar contains an entry for this variant (Variation ID: 884465). An algorithm developed to predict the effect of missense changes on protein structure and function outputs the following: PolyPhen-2: "Benign". The threonine amino acid residue is found in multiple mammalian species, which suggests that this missense change does not adversely affect protein function. In summary, the available evidence is currently insufficient to determine the role of this variant in disease. Therefore, it has been classified as a Variant of Uncertain Significance.

Ambry Genetics
Classification: Likely benign for Inborn genetic diseases. Last evaluated: 2023-03-01. Review status: criteria provided, single submitter. Criteria: Ambry Variant Classification Scheme 2023. Collection method: clinical testing. Allele origin: germline.

GeneDx
Classification: Uncertain significance. Last evaluated: 2022-12-16. Review status: criteria provided, single submitter. Criteria: GeneDx Variant Classification Process June 2021. Collection method: clinical testing. Allele origin: germline. Affected: yes.
Comment: In silico analysis supports that this missense variant does not alter protein structure/function; Has not been previously published as pathogenic or benign to our knowledge

Illumina Laboratory Services, Illumina
Classification: Uncertain significance for Miller syndrome. Last evaluated: 2018-01-13. Review status: criteria provided, single submitter. Criteria: ICSL Variant Classification Criteria 13 December 2019. Collection method: clinical testing. Allele origin: germline.

NM_001361.5(DHODH):c.73G>A (p.Ala25Thr)

Gene: DHODH (dihydroorotate dehydrogenase (quinone); plus strand). Cytogenetic location: 16q22.2.
Variant type: single nucleotide variant.
Coding change: c.73G>A on transcript NM_001361.5 (MANE Select); coding-DNA position 73, G replaced by A.
Protein change: p.Ala25Thr; replaces alanine 25 with threonine.
Molecular consequence: missense variant.
Genome position (GRCh38, 1-based): chr16:72,012,101, G>A. VCF-style: chr16-72012101-G-A. GRCh37 (hg19) VCF-style: chr16-72046000-G-A.
Other names: short protein forms A25T.
Identifiers: ClinVar variation 884465 (VCV000884465.8), dbSNP rs200549060, ClinGen allele CA8158512.